The following is an entry in ClinVar:

NM_001039660.2(IL18BP):c.146A>T (p.Asp49Val)

Gene: IL18BP (interleukin 18 binding protein; plus strand). Cytogenetic location: 11q13.4.
Variant type: single nucleotide variant.
Coding change: c.146A>T on transcript NM_001039660.2 (MANE Select); coding-DNA position 146, A replaced by T.
Protein change: p.Asp49Val; replaces aspartic acid 49 with valine.
Molecular consequence: missense variant.
Genome position (GRCh38, 1-based): chr11:72,000,468, A>T. VCF-style: chr11-72000468-A-T. GRCh37 (hg19) VCF-style: chr11-71711514-A-T.
Other names: c.146A>T, p.Asp49Val (NM_001039659.2, NM_001145055.1, NM_001145057.1 and 3 more transcripts); short protein forms D49V.
Identifiers: ClinVar variation 2007040 (VCV002007040.4), dbSNP rs1565171711, ClinGen allele CA381720411.

ClinVar aggregate classification (germline): Uncertain significance (1 of 4 stars; one submission).

Submission:

Labcorp Genetics (formerly Invitae), Labcorp
Classification: Uncertain significance. Last evaluated: 2022-09-27. Review status: criteria provided, single submitter. Criteria: Invitae Variant Classification Sherloc (09022015). Collection method: clinical testing. Allele origin: germline.
Comment: In summary, the available evidence is currently insufficient to determine the role of this variant in disease. Therefore, it has been classified as a Variant of Uncertain Significance. Algorithms developed to predict the effect of missense changes on protein structure and function are either unavailable or do not agree on the potential impact of this missense change (SIFT: "Deleterious"; PolyPhen-2: "Benign"; Align-GVGD: "Class C35"). This variant has not been reported in the literature in individuals affected with IL18BP-related conditions. This variant is not present in population databases (gnomAD no frequency). This sequence change replaces aspartic acid, which is acidic and polar, with valine, which is neutral and non-polar, at codon 49 of the IL18BP protein (p.Asp49Val).